The following is an entry in ClinVar:

NM_015057.5(MYCBP2):c.8440G>A (p.Gly2814Arg)

Gene: MYCBP2 (MYC binding protein 2; minus strand). Cytogenetic location: 13q22.3.
Variant type: single nucleotide variant.
Coding change: c.8440G>A on transcript NM_015057.5 (MANE Select); coding-DNA position 8440, G replaced by A.
Protein change: p.Gly2814Arg; replaces glycine 2814 with arginine.
Molecular consequence: missense variant.
Genome position (GRCh38, 1-based): chr13:77,098,714, C>T on the plus strand (G>A on the coding strand, the complement: MYCBP2 is on the minus strand). VCF-style: chr13-77098714-C-T. GRCh37 (hg19) VCF-style: chr13-77672849-C-T.
Other names: short protein forms G2814R.
Identifiers: ClinVar variation 4984468 (VCV004984468.1).
Genomic context (GRCh38, chr13:77,098,714, plus strand): 5'-GGCTAGACCTATTGGCTGGGAGAGTCTTTGGCTTAGGAGATGACAACCGAGAACCTGGTC[C>T]TGGGGATTCAGCTCTGGAGCTAGAAGGCATCCTCCCATCAGATTTCAATGTCTGCAAGGT-3'
Protein context (NP_055872.4, residues 2804-2824): MPSSSRAESP[Gly2814Arg]PGSRLSSPKP

ClinVar aggregate classification (germline): Uncertain significance (1 of 4 stars; one submission).

Conditions:
MYCBP2-related disorder. Also called: MYCBP2-related condition.

Submission:

PreventionGenetics, part of Exact Sciences
Classification: Uncertain significance for MYCBP2-related condition. Last evaluated: 2025-08-04. Review status: criteria provided, single submitter. Criteria: ACMG Guidelines, 2015. Collection method: clinical testing. Allele origin: germline.
Comment: The MYCBP2 c.8440G>A variant is predicted to result in the amino acid substitution p.Gly2814Arg. To our knowledge, this variant has not been reported in the literature or in a large population database (gnomAD), indicating this variant is rare. At this time, the clinical significance of this variant is uncertain due to the absence of conclusive functional and genetic evidence.